The following is an entry in ClinVar:

ClinVar aggregate classification (germline): Uncertain significance (1 of 4 stars; one submission).

Conditions:
Cornelia de Lange syndrome 1 (CDLS1). Also called: TYPUS DEGENERATIVUS AMSTELODAMENSIS; Brachmann de Lange syndrome; NIPBL-Related Cornelia de Lange Syndrome. Identifiers: Orphanet 199, MedGen C4551851, MONDO:0007387, OMIM 122470.

Submission:

Juno Genomics, Hangzhou Juno Genomics, Inc
Classification: Uncertain significance for Cornelia de Lange syndrome 1. Review status: criteria provided, single submitter. Criteria: ACMG Guidelines, 2015. Collection method: clinical testing. Allele origin: germline.
Comment: Absent from controls (or at extremely low frequency if recessive) in Genome Aggregation Database.;Missense variant in a gene that has a low rate of benign missense variation.

NM_133433.4(NIPBL):c.1697A>T (p.Lys566Met)

Gene: NIPBL (NIPBL cohesin loading factor; plus strand). Cytogenetic location: 5p13.2.
Variant type: single nucleotide variant.
Coding change: c.1697A>T on transcript NM_133433.4 (MANE Select); coding-DNA position 1697, A replaced by T.
Protein change: p.Lys566Met; replaces lysine 566 with methionine.
Molecular consequence: missense variant.
Genome position (GRCh38, 1-based): chr5:36,984,877, A>T. VCF-style: chr5-36984877-A-T. GRCh37 (hg19) VCF-style: chr5-36984979-A-T.
Other names: c.1697A>T, p.Lys566Met (NM_001438586.1, NM_015384.5); short protein forms K566M.
Identifiers: ClinVar variation 5006890 (VCV005006890.2).